The following is an entry in ClinVar:

ClinVar aggregate classification (germline): Uncertain significance (1 of 4 stars; one submission).

Conditions:
Hereditary spastic paraplegia 11. Also called: SPASTIC PARAPLEGIA, AUTOSOMAL RECESSIVE, COMPLICATED, WITH THIN CORPUS CALLOSUM; SPASTIC PARAPLEGIA, AUTOSOMAL RECESSIVE, WITH MENTAL IMPAIRMENT AND THIN CORPUS CALLOSUM; Spastic paraplegia, mental retardation and thin corpus callosum; Nakamura Osame syndrome; Autosomal recessive hereditary spastic paraplegia, mental impairment, and thin corpus callosum; Spastic Paraplegia 11. Identifiers: Orphanet 2822, MedGen C1858479, MONDO:0011445, OMIM 604360.

Allele frequency attached by ClinVar (database versions not stated): gnomAD exomes below 0.00001 and 0.00001; ExAC 0.00001; gnomAD 0.00001.
gnomAD v4.1: 4 of 1,613,980 alleles (0.00025%); highest among the groups gnomAD compares: East Asian, 0.0045%; no homozygotes.

Submission:

Labcorp Genetics (formerly Invitae), Labcorp
Classification: Uncertain significance for Hereditary spastic paraplegia 11. Last evaluated: 2024-04-20. Review status: criteria provided, single submitter. Criteria: Invitae Variant Classification Sherloc (09022015). Collection method: clinical testing. Allele origin: germline.
Comment: This sequence change replaces isoleucine, which is neutral and non-polar, with threonine, which is neutral and polar, at codon 849 of the SPG11 protein (p.Ile849Thr). This variant is present in population databases (rs779087194, gnomAD 0.0009%). This variant has not been reported in the literature in individuals affected with SPG11-related conditions. ClinVar contains an entry for this variant (Variation ID: 1497790). Advanced modeling of protein sequence and biophysical properties (such as structural, functional, and spatial information, amino acid conservation, physicochemical variation, residue mobility, and thermodynamic stability) performed at Invitae indicates that this missense variant is not expected to disrupt SPG11 protein function with a negative predictive value of 80%. In summary, the available evidence is currently insufficient to determine the role of this variant in disease. Therefore, it has been classified as a Variant of Uncertain Significance.

NM_025137.4(SPG11):c.2546T>C (p.Ile849Thr)

Gene: SPG11 (SPG11 vesicle trafficking associated, spatacsin; minus strand). Cytogenetic location: 15q21.1.
Variant type: single nucleotide variant.
Coding change: c.2546T>C on transcript NM_025137.4 (MANE Select); coding-DNA position 2546, T replaced by C.
Protein change: p.Ile849Thr; replaces isoleucine 849 with threonine.
Molecular consequence: missense variant.
Genome position (GRCh38, 1-based): chr15:44,621,833, A>G on the plus strand (T>C on the coding strand, the complement: SPG11 is on the minus strand). VCF-style: chr15-44621833-A-G. GRCh37 (hg19) VCF-style: chr15-44914031-A-G.
Other names: c.2546T>C, p.Ile849Thr (NM_001160227.2); short protein forms I849T.
Identifiers: ClinVar variation 1497790 (VCV001497790.6), dbSNP rs779087194, ClinGen allele CA7535212.